The following is an entry in ClinVar:

NM_000051.4(ATM):c.4451T>A (p.Met1484Lys)

Gene: ATM (ATM serine/threonine kinase; plus strand). Cytogenetic location: 11q22.3.
Variant type: single nucleotide variant.
Coding change: c.4451T>A on transcript NM_000051.4 (MANE Select); coding-DNA position 4451, T replaced by A.
Protein change: p.Met1484Lys; replaces methionine 1484 with lysine.
Molecular consequence: missense variant.
Genome position (GRCh38, 1-based): chr11:108,292,633, T>A. VCF-style: chr11-108292633-T-A. GRCh37 (hg19) VCF-style: chr11-108163360-T-A.
Other names: c.4451T>A, p.Met1484Lys (NM_001351834.2); short protein forms M1484K.
Identifiers: ClinVar variation 2705837 (VCV002705837.3), dbSNP rs786203785, ClinGen allele CA382532965.

ClinVar aggregate classification (germline): Uncertain significance (1 of 4 stars; one submission).

Conditions:
Ataxia-telangiectasia syndrome (AT). Also called: ATAXIA-TELANGIECTASIA, COMPLEMENTATION GROUP A; ATAXIA-TELANGIECTASIA, FRESNO VARIANT; Ataxia-telangiectasia, complementation group D; LOUIS-BAR SYNDROME; AT, COMPLEMENTATION GROUP C; Ataxia-telangiectasia. Identifiers: Orphanet 100, MedGen C0004135, MONDO:0008840, OMIM 208900.

Submission:

Labcorp Genetics (formerly Invitae), Labcorp
Classification: Uncertain significance for Ataxia-telangiectasia syndrome. Last evaluated: 2023-12-27. Review status: criteria provided, single submitter. Criteria: Invitae Variant Classification Sherloc (09022015). Collection method: clinical testing. Allele origin: germline.
Comment: This sequence change replaces methionine, which is neutral and non-polar, with lysine, which is basic and polar, at codon 1484 of the ATM protein (p.Met1484Lys). This variant is not present in population databases (gnomAD no frequency). This variant has not been reported in the literature in individuals affected with ATM-related conditions. An algorithm developed to predict the effect of missense changes on protein structure and function (PolyPhen-2) suggests that this variant is likely to be tolerated. In summary, the available evidence is currently insufficient to determine the role of this variant in disease. Therefore, it has been classified as a Variant of Uncertain Significance.